The following is an entry in ClinVar:

NM_000218.3(KCNQ1):c.2018A>T (p.Asp673Val)

Genes: KCNQ1 (potassium voltage-gated channel subfamily Q member 1; plus strand), KCNQ1-AS1 (KCNQ1 antisense RNA 1; minus strand). Cytogenetic location: 11p15.4.
Variant type: single nucleotide variant.
Coding change: c.2018A>T on transcript NM_000218.3 (MANE Select); coding-DNA position 2018, A replaced by T.
Protein change: p.Asp673Val; replaces aspartic acid 673 with valine.
Molecular consequence: missense variant.
Genome position (GRCh38, 1-based): chr11:2,847,990, A>T. VCF-style: chr11-2847990-A-T. GRCh37 (hg19) VCF-style: chr11-2869220-A-T.
Other names: c.1922A>T, p.Asp641Val (NM_001406836.1); c.1748A>T, p.Asp583Val (NM_001406837.1); c.1478A>T, p.Asp493Val (NM_001406838.1); c.530A>T, p.Asp177Val (NM_001406839.1); c.1637A>T, p.Asp546Val (NM_181798.2); short protein forms D177V, D493V, D546V, D583V, D641V, D673V.
Identifiers: ClinVar variation 3386961 (VCV003386961.1).

ClinVar aggregate classification (germline): Uncertain significance (1 of 4 stars; one submission).

Conditions:
Long QT syndrome (LQTS). Identifiers: MedGen C0023976, MeSH D008133, MONDO:0002442. Disease mechanism: loss of function. Inheritance: Various modes of inheritance.

gnomAD v4.1: 2 of 1,546,076 alleles (0.00013%); highest among the groups gnomAD compares: Non-Finnish European, 0.00017%; no homozygotes.

Submission:

All of Us Research Program, National Institutes of Health
Classification: Uncertain significance for Long QT syndrome. Last evaluated: 2024-02-22. Review status: criteria provided, single submitter. Criteria: ACMG Guidelines, 2015. Collection method: clinical testing. Allele origin: germline. Inheritance: Autosomal dominant inheritance. Observed: 1 variant allele, 1 heterozygote.
Comment: This missense variant replaces aspartic acid with valine at codon 673 of the KCNQ1 protein. Computational prediction is inconclusive regarding the impact of this variant on protein structure and function (internally defined REVEL score threshold 0.5 < inconclusive < 0.7, PMID: 27666373). To our knowledge, functional studies have not been reported for this variant. This variant has not been reported in individuals affected with KCNQ1-related disorders in the literature. This variant has not been identified in the general population by the Genome Aggregation Database (gnomAD). The available evidence is insufficient to determine the role of this variant in disease conclusively. Therefore, this variant is classified as a Variant of Uncertain Significance.

This study involves interpretation of variants in research participants for the purpose of population health screening. Participant phenotype was not available at the time of variant classification. Additional details can be found in publication PMID: 35346344, PMCID: PMC8962531